The following is an entry in ClinVar:

ClinVar aggregate classification (germline): Uncertain significance (1 of 4 stars; one submission).

Allele frequency attached by ClinVar (database versions not stated): TOPMed below 0.00001; gnomAD 0.00001; gnomAD exomes 0.00002 and 0.00003; ExAC 0.00003; 1000 Genomes Project 0.00020; 1000 Genomes Project 30x 0.00031.
gnomAD v4.1: 29 of 1,614,190 alleles (0.0018%); highest among the groups gnomAD compares: South Asian, 0.027%; no homozygotes.

Submission:

Labcorp Genetics (formerly Invitae), Labcorp
Classification: Uncertain significance. Last evaluated: 2022-07-26. Review status: criteria provided, single submitter. Criteria: Invitae Variant Classification Sherloc (09022015). Collection method: clinical testing. Allele origin: germline.
Comment: In summary, the available evidence is currently insufficient to determine the role of this variant in disease. Therefore, it has been classified as a Variant of Uncertain Significance. Algorithms developed to predict the effect of sequence changes on RNA splicing suggest that this variant may create or strengthen a splice site. Algorithms developed to predict the effect of missense changes on protein structure and function output the following: SIFT: "Tolerated"; PolyPhen-2: "Benign"; Align-GVGD: "Class C0". The arginine amino acid residue is found in multiple mammalian species, which suggests that this missense change does not adversely affect protein function. ClinVar contains an entry for this variant (Variation ID: 1061359). This variant has not been reported in the literature in individuals affected with ORC1-related conditions. This variant is present in population databases (rs188004883, gnomAD 0.02%). This sequence change replaces lysine, which is basic and polar, with arginine, which is basic and polar, at codon 220 of the ORC1 protein (p.Lys220Arg).

NM_004153.4(ORC1):c.659A>G (p.Lys220Arg)

Gene: ORC1 (origin recognition complex subunit 1; minus strand). Cytogenetic location: 1p32.3.
Variant type: single nucleotide variant.
Coding change: c.659A>G on transcript NM_004153.4 (MANE Select); coding-DNA position 659, A replaced by G.
Protein change: p.Lys220Arg; replaces lysine 220 with arginine.
Molecular consequence: missense variant.
Genome position (GRCh38, 1-based): chr1:52,396,108, T>C on the plus strand (A>G on the coding strand, the complement: ORC1 is on the minus strand). VCF-style: chr1-52396108-T-C. GRCh37 (hg19) VCF-style: chr1-52861780-T-C.
Other names: c.659A>G, p.Lys220Arg (NM_001190818.2, NM_001190819.2); short protein forms K220R.
Identifiers: ClinVar variation 1061359 (VCV001061359.9), dbSNP rs188004883, ClinGen allele CA853544.